The following is an entry in ClinVar:

ClinVar aggregate classification (germline): Uncertain significance (1 of 4 stars; one submission).

Conditions:
Peroxisome biogenesis disorder 7A (Zellweger). Also called: Peroxisome biogenesis disorder 7A. Identifiers: Orphanet 912, MedGen C3888385, MONDO:0013938, OMIM 614872.
Peroxisome biogenesis disorder 7B (PBD7B). Identifiers: Orphanet 44, MedGen C3553951, MONDO:0013939, OMIM 614873.

Submission:

Labcorp Genetics (formerly Invitae), Labcorp
Classification: Uncertain significance for Peroxisome biogenesis disorder 7A (Zellweger); Peroxisome biogenesis disorder 7B. Last evaluated: 2022-06-27. Review status: criteria provided, single submitter. Criteria: Invitae Variant Classification Sherloc (09022015). Collection method: clinical testing. Allele origin: germline.
Comment: This sequence change replaces histidine, which is basic and polar, with glutamine, which is neutral and polar, at codon 246 of the PEX26 protein (p.His246Gln). This variant is not present in population databases (gnomAD no frequency). This variant has not been reported in the literature in individuals affected with PEX26-related conditions. Algorithms developed to predict the effect of missense changes on protein structure and function are either unavailable or do not agree on the potential impact of this missense change (SIFT: "Tolerated"; PolyPhen-2: "Probably Damaging"; Align-GVGD: "Class C0"). In summary, the available evidence is currently insufficient to determine the role of this variant in disease. Therefore, it has been classified as a Variant of Uncertain Significance.

NM_001127649.3(PEX26):c.738C>A (p.His246Gln)

Gene: PEX26 (peroxisomal biogenesis factor 26; plus strand). Cytogenetic location: 22q11.21.
Variant type: single nucleotide variant.
Coding change: c.738C>A on transcript NM_001127649.3 (MANE Select); coding-DNA position 738, C replaced by A.
Protein change: p.His246Gln; replaces histidine 246 with glutamine.
Molecular consequence: missense variant. On other transcripts: intron variant (1).
Genome position (GRCh38, 1-based): chr22:18,085,182, C>A. VCF-style: chr22-18085182-C-A. GRCh37 (hg19) VCF-style: chr22-18567948-C-A.
Other names: c.738C>A, p.His246Gln (NM_017929.6); c.667+1450C>A (NM_001199319.2); short protein forms H246Q.
Identifiers: ClinVar variation 1387791 (VCV001387791.5), dbSNP rs1380881201, ClinGen allele CA410268602.
Genomic context (GRCh38, chr22:18,085,182, plus strand): 5'-CCACAAGTTCCTGTCACTACCGATGTTGGTTCGCCAGCTTTGGGACTCTGCGGTGAGCCA[C>A]TTCTTTTCTCTGCCCTTCAAAAAGAGTCTCCTGGCTGCCTTGATCCTCTGTCTCCTGGTG-3'
Protein context (NP_001121121.1, residues 236-256): VRQLWDSAVS[His246Gln]FFSLPFKKSL